The following is an entry in ClinVar:

ClinVar aggregate classification (germline): Uncertain significance (1 of 4 stars; one submission).

Submission:

GeneDx
Classification: Uncertain significance. Last evaluated: 2022-06-30. Review status: criteria provided, single submitter. Criteria: GeneDx Variant Classification Process June 2021. Collection method: clinical testing. Allele origin: germline. Affected: yes.
Comment: Not observed at significant frequency in large population cohorts (gnomAD); In silico analysis supports that this missense variant has a deleterious effect on protein structure/function; Has not been previously published as pathogenic or benign to our knowledge

NM_001127222.2(CACNA1A):c.3569A>G (p.Asn1190Ser)

Gene: CACNA1A (calcium voltage-gated channel subunit alpha1 A; minus strand). Cytogenetic location: 19p13.13.
Variant type: single nucleotide variant.
Coding change: c.3569A>G on transcript NM_001127222.2 (MANE Select); coding-DNA position 3569, A replaced by G.
Protein change: p.Asn1190Ser; replaces asparagine 1190 with serine.
Molecular consequence: missense variant.
Genome position (GRCh38, 1-based): chr19:13,285,191, T>C on the plus strand (A>G on the coding strand, the complement: CACNA1A is on the minus strand). VCF-style: chr19-13285191-T-C. GRCh37 (hg19) VCF-style: chr19-13396005-T-C.
Other names: c.3581A>G, p.Asn1194Ser (NM_000068.4, NM_023035.3); c.3572A>G, p.Asn1191Ser (NM_001127221.2, NM_001174080.2); short protein forms N1190S, N1191S, N1194S.
Identifiers: ClinVar variation 1810088 (VCV001810088.1), dbSNP rs2057373758, ClinGen allele CA404341095.